The following is an entry in ClinVar:

NM_001211.6(BUB1B):c.1337T>C (p.Ile446Thr)

Gene: BUB1B (BUB1 mitotic checkpoint serine/threonine kinase B; plus strand). Cytogenetic location: 15q15.1.
Variant type: single nucleotide variant.
Coding change: c.1337T>C on transcript NM_001211.6 (MANE Select); coding-DNA position 1337, T replaced by C.
Protein change: p.Ile446Thr; replaces isoleucine 446 with threonine.
Molecular consequence: missense variant.
Genome position (GRCh38, 1-based): chr15:40,199,663, T>C. VCF-style: chr15-40199663-T-C. GRCh37 (hg19) VCF-style: chr15-40491864-T-C.
Other names: short protein forms I446T.
Identifiers: ClinVar variation 5033507 (VCV005033507.1).

ClinVar aggregate classification (germline): Uncertain significance (1 of 4 stars; one submission).

Conditions:
Inborn genetic diseases. Identifiers: MedGen C0950123, MeSH D030342.

Submission:

Ambry Genetics
Classification: Uncertain significance for Inborn genetic diseases. Last evaluated: 2026-06-26. Review status: criteria provided, single submitter. Criteria: Ambry Variant Classification Scheme 2023. Collection method: clinical testing. Allele origin: germline.
Comment: The p.I446T variant (also known as c.1337T>C), located in coding exon 10 of the BUB1B gene, results from a T to C substitution at nucleotide position 1337. The isoleucine at codon 446 is replaced by threonine, an amino acid with similar properties. This amino acid position is conserved. In addition, the in silico prediction for this alteration is inconclusive. Based on the available evidence, the clinical significance of this variant remains unclear.